The following is an entry in ClinVar:

ClinVar aggregate classification (germline): Benign. Review status: criteria provided, multiple submitters, no conflicts (2 of 4 stars). 13 submissions from 12 submitters: Benign (10). 3 of the submissions do not count toward it. Last evaluated 2026-02-04.

Conditions:
Inborn genetic diseases. Identifiers: MedGen C0950123, MeSH D030342.
Neurodevelopmental disorder with or without hyperkinetic movements and seizures, autosomal dominant. Also called: Intellectual disability, autosomal dominant 8. Identifiers: MedGen C3280282, MONDO:0013655, OMIM 614254.
Neurodevelopmental disorder with or without hyperkinetic movements and seizures, autosomal recessive. Identifiers: MedGen C4693325, MONDO:0060629, OMIM 617820.

Allele frequency attached by ClinVar (database versions not stated): gnomAD exomes 0.93339 and 0.93703; 1000 Genomes Project 0.93351; 1000 Genomes Project 30x 0.93457; ExAC 0.93558; ESP Exome Variant Server 0.94681; gnomAD 0.94915 and 0.95319; TOPMed 0.95249.
gnomAD v4.1: 1,503,796 of 1,608,884 alleles (93%); highest among the groups gnomAD compares: East Asian, 99%; 703,780 homozygotes.

Submissions (13):

Labcorp Genetics (formerly Invitae), Labcorp
Classification: Benign for Neurodevelopmental disorder with or without hyperkinetic movements and seizures, autosomal dominant. Last evaluated: 2026-02-04. Review status: criteria provided, single submitter. Criteria: Invitae Variant Classification Sherloc (09022015). Collection method: clinical testing. Allele origin: germline.

Blueprint Genetics
Classification: Benign. Last evaluated: 2024-11-27. Review status: criteria provided, single submitter. Criteria: ACMG Guidelines, 2015. Collection method: clinical testing. Allele origin: germline.

Unidad de Genómica Garrahan, Hospital de Pediatría Garrahan
Classification: Benign. Last evaluated: 2024-07-15. Review status: criteria provided, single submitter. Criteria: ACMG Guidelines, 2015. Collection method: clinical testing. Allele origin: germline. Affected: no. Observed: 92 variant alleles.
Comment: This variant is classified as Benign based on local population frequency. This variant was detected in 99% of patients studied in a panel designed for Epileptic and Developmental Encephalopathy and Progressive Myoclonus Epilepsy. Number of patients: 92. Only high quality variants are reported.

Genome-Nilou Lab
Classification: Benign for Neurodevelopmental disorder with or without hyperkinetic movements and seizures, autosomal dominant. Last evaluated: 2021-08-10. Review status: criteria provided, single submitter. Criteria: ACMG Guidelines, 2015. Collection method: clinical testing. Allele origin: germline. Affected: no.

Genome-Nilou Lab
Classification: Benign for Neurodevelopmental disorder with or without hyperkinetic movements and seizures, autosomal recessive. Last evaluated: 2021-08-10. Review status: criteria provided, single submitter. Criteria: ACMG Guidelines, 2015. Collection method: clinical testing. Allele origin: germline. Affected: no.

Mayo Clinic Laboratories, Mayo Clinic
Classification: Benign. Last evaluated: 2018-04-02. Review status: criteria provided, single submitter. Criteria: ACMG Guidelines, 2015. Collection method: clinical testing. Allele origin: germline. Observed: 569 variant alleles.

Athena Diagnostics
Classification: Benign. Last evaluated: 2017-04-20. Review status: criteria provided, single submitter. Criteria: Athena Diagnostics Criteria. Collection method: clinical testing. Allele origin: germline.

Ambry Genetics
Classification: Benign for Inborn genetic diseases. Last evaluated: 2016-05-31. Review status: criteria provided, single submitter. Criteria: Ambry Variant Classification Scheme 2023. Collection method: clinical testing. Allele origin: germline.

GeneDx
Classification: Benign. Last evaluated: 2016-01-05. Review status: criteria provided, single submitter. Criteria: GeneDx Variant Classification (06012015). Collection method: clinical testing. Allele origin: germline. Affected: yes.
Comment: This variant is considered likely benign or benign based on one or more of the following criteria: it is a conservative change, it occurs at a poorly conserved position in the protein, it is predicted to be benign by multiple in silico algorithms, and/or has population frequency not consistent with disease.

Breakthrough Genomics
Classification: Benign. Review status: criteria provided, single submitter. Criteria: ACMG Guidelines, 2015. Collection method: not provided. Allele origin: germline. Inheritance: Autosomal recessive inheritance. Affected: yes.

Diagnostic Laboratory, Department of Genetics, University Medical Center Groningen
Classification: Benign. Review status: no assertion criteria provided. Collection method: clinical testing. Allele origin: germline. Affected: yes. Study: VKGL Data-share Consensus. Not counted in ClinVar's aggregate classification.

Genetic Services Laboratory, University of Chicago
Classification: Likely benign for AllHighlyPenetrant. Review status: no assertion criteria provided. Collection method: clinical testing. Allele origin: germline. Inheritance: Autosomal dominant inheritance. Not counted in ClinVar's aggregate classification.
Comment: Likely benign based on allele frequency in 1000 Genomes Project or ESP global frequency and its presence in a patient with a rare or unrelated disease phenotype. NOT Sanger confirmed.

Joint Genome Diagnostic Labs from Nijmegen and Maastricht, Radboudumc and MUMC+
Classification: Benign. Review status: no assertion criteria provided. Collection method: clinical testing. Allele origin: germline. Affected: yes. Study: VKGL Data-share Consensus. Not counted in ClinVar's aggregate classification.

NM_007327.4(GRIN1):c.1467+8G>A

Gene: GRIN1 (glutamate ionotropic receptor NMDA type subunit 1; plus strand). Cytogenetic location: 9q34.3.
Variant type: single nucleotide variant.
Coding change: c.1467+8G>A on transcript NM_007327.4 (MANE Select); 8 bases into the intron after coding-DNA position 1467, G replaced by A.
Molecular consequence: intron variant.
Genome position (GRCh38, 1-based): chr9:137,161,424, G>A. VCF-style: chr9-137161424-G-A. GRCh37 (hg19) VCF-style: chr9-140055876-G-A.
Other names: p.?; c.1530+8G>A (NM_001185090.2, NM_001185091.2); c.1467+8G>A (NM_021569.4, NM_000832.7).
Identifiers: ClinVar variation 129179 (VCV000129179.29), dbSNP rs10747050, ClinGen allele CA153020.